The following is an entry in ClinVar:

ClinVar aggregate classification (germline): Likely benign (0 of 4 stars; one submission).

Conditions:
SLC27A5-related disorder. Also called: SLC27A5-related condition.

Allele frequency attached by ClinVar (database versions not stated): gnomAD exomes below 0.00001; ExAC 0.00002; gnomAD 0.00003; 1000 Genomes Project 30x 0.00031; 1000 Genomes Project 0.00040.
gnomAD v4.1: 7 of 1,612,856 alleles (0.00043%); highest among the groups gnomAD compares: African/African-American, 0.0067%; no homozygotes.

Submission:

PreventionGenetics, part of Exact Sciences
Classification: Likely benign for SLC27A5-related condition. Last evaluated: 2021-06-02. Review status: no assertion criteria provided. Collection method: clinical testing. Allele origin: germline.
Comment: This variant is classified as likely benign based on ACMG/AMP sequence variant interpretation guidelines (Richards et al. 2015 PMID: 25741868, with internal and published modifications).

NM_012254.3(SLC27A5):c.1578G>A (p.Ser526=)

Genes: SLC27A5 (solute carrier family 27 member 5; minus strand), LOC130065229 (ATAC-STARR-seq lymphoblastoid active region 15205; plus strand). Cytogenetic location: 19q13.43.
Variant type: single nucleotide variant.
Coding change: c.1578G>A on transcript NM_012254.3 (MANE Select); coding-DNA position 1578, G replaced by A.
Protein change: p.Ser526=; no amino-acid change (serine 526 retained).
Molecular consequence: synonymous variant.
Genome position (GRCh38, 1-based): chr19:58,499,581, C>T on the plus strand (G>A on the coding strand, the complement: SLC27A5 is on the minus strand). VCF-style: chr19-58499581-C-T. GRCh37 (hg19) VCF-style: chr19-59010948-C-T.
Other names: c.1326G>A, p.Ser442= (NM_001321196.2).
Identifiers: ClinVar variation 3061639 (VCV003061639.2), dbSNP rs529955045, ClinGen allele CA9717913.